The following is an entry in ClinVar:

NM_000017.4(ACADS):c.916A>T (p.Lys306Ter)

Gene: ACADS (acyl-CoA dehydrogenase short chain; plus strand). Cytogenetic location: 12q24.31.
Variant type: single nucleotide variant.
Coding change: c.916A>T on transcript NM_000017.4 (MANE Select); coding-DNA position 916, A replaced by T.
Protein change: p.Lys306Ter; replaces lysine 306 with a stop codon.
Molecular consequence: nonsense.
Genome position (GRCh38, 1-based): chr12:120,738,653, A>T. VCF-style: chr12-120738653-A-T. GRCh37 (hg19) VCF-style: chr12-121176456-A-T.
Other names: c.904A>T, p.Lys302Ter (NM_001302554.2); short protein forms K302*, K306*.
Identifiers: ClinVar variation 1726454 (VCV001726454.2), dbSNP rs2501198442, ClinGen allele CA386601361.

ClinVar aggregate classification (germline): Likely pathogenic (1 of 4 stars; one submission).

Conditions:
Deficiency of butyryl-CoA dehydrogenase (ACADSD). Also called: SCADH DEFICIENCY; SCAD DEFICIENCY, MILD; ACYL-CoA DEHYDROGENASE, SHORT-CHAIN, DEFICIENCY OF; Short-Chain Acyl-CoA Dehydrogenase Deficiency; SCAD Deficiency; ACADS DEFICIENCY. Identifiers: Orphanet 26792, MedGen C0342783, MONDO:0008722, OMIM 201470. Disease mechanism: May be benign.

Submission:

Myriad Genetics, Inc.
Classification: Likely pathogenic for Deficiency of butyryl-CoA dehydrogenase. Last evaluated: 2022-03-04. Review status: criteria provided, single submitter. Criteria: Myriad Women's Health Autosomal Recessive and X-Linked Classification Criteria (2021). Collection method: clinical testing. Allele origin: unknown.
Comment: NM_000017.2(ACADS):c.916A>T(K306*) is expected to be pathogenic in the context of short-chain acyl-CoA dehydrogenase deficiency. This variant is predicted to lead to an abnormal or absent protein product due to the creation of a premature termination codon in ACADS, a gene where loss-of-function variants are known to be pathogenic. Please note: this variant was assessed in the context of healthy population screening.